The following is an entry in ClinVar:

NM_001135673.4(ATL2):c.965G>A (p.Arg322Gln)

Gene: ATL2 (atlastin GTPase 2; minus strand). Cytogenetic location: 2p22.1.
Variant type: single nucleotide variant.
Coding change: c.965G>A on transcript NM_001135673.4 (MANE Select); coding-DNA position 965, G replaced by A.
Protein change: p.Arg322Gln; replaces arginine 322 with glutamine.
Molecular consequence: missense variant.
Genome position (GRCh38, 1-based): chr2:38,309,485, C>T on the plus strand (G>A on the coding strand, the complement: ATL2 is on the minus strand). VCF-style: chr2-38309485-C-T. GRCh37 (hg19) VCF-style: chr2-38536627-C-T.
Other names: c.911G>A, p.Arg304Gln (NM_001308076.1, NM_001330459.1); c.452G>A, p.Arg151Gln (NM_001330458.2, NM_001330460.1, NM_001330461.2); c.950G>A, p.Arg317Gln (NM_001330462.1); c.965G>A, p.Arg322Gln (NM_001330463.2, NM_022374.5); c.284G>A, p.Arg95Gln (NM_001330464.2); short protein forms R151Q, R304Q, R317Q, R322Q, R95Q.
Identifiers: ClinVar variation 2650839 (VCV002650839.24), dbSNP rs61754249, ClinGen allele CA1620424.

ClinVar aggregate classification (germline): Likely benign (1 of 4 stars; one submission).

Allele frequency attached by ClinVar (database versions not stated): 1000 Genomes Project 0.00280; TOPMed 0.00284; ExAC 0.00526; gnomAD 0.00540; 1000 Genomes Project 30x 0.00265.
gnomAD v4.1: 8,057 of 1,611,176 alleles (0.5%); highest among the groups gnomAD compares: Non-Finnish European, 0.49%; 53 homozygotes.

Submission:

CeGaT Center for Human Genetics Tuebingen
Classification: Likely benign. Last evaluated: 2023-03-01. Review status: criteria provided, single submitter. Criteria: CeGaT Center For Human Genetics Tuebingen Variant Classification Criteria Version 2. Collection method: clinical testing. Allele origin: germline. Affected: yes. Observed: 1 variant allele.
Comment: ATL2: BP4, BS2